The following is an entry in ClinVar:

Conditions:
Breast-ovarian cancer, familial, susceptibility to, 1 (BROVCA1). Also called: BRCA1 Hereditary Breast and Ovarian Cancer; OVARIAN CANCER, SUSCEPTIBILITY TO. Identifiers: Orphanet 145, MedGen C2676676, MONDO:0011450, OMIM 604370. Disease mechanism: loss of function.

Submission:

Brotman Baty Institute, University of Washington
No classification provided (evidence only). Condition: Breast-ovarian cancer, familial 1. Review status: no classification provided. Collection method: in vitro. Allele origin: not applicable. Functional consequence: functionally_normal.
ClinVar note: "not provided" was previously submitted as the classification for the variant. However, the classification appeared to be based only on an observation of functional data so it was converted to no classification on 2025-07-30.

NM_007294.4(BRCA1):c.5196T>G (p.His1732Gln)

Gene: BRCA1 (BRCA1 DNA repair associated; minus strand). Cytogenetic location: 17q21.31.
Variant type: single nucleotide variant.
Coding change: c.5196T>G on transcript NM_007294.4 (MANE Select); coding-DNA position 5196, T replaced by G.
Protein change: p.His1732Gln; replaces histidine 1732 with glutamine.
Molecular consequence: missense variant. On other transcripts: non-coding transcript variant (1).
Genome position (GRCh38, 1-based): chr17:43,057,133, A>C on the plus strand (T>G on the coding strand, the complement: BRCA1 is on the minus strand). VCF-style: chr17-43057133-A-C. GRCh37 (hg19) VCF-style: chr17-41209150-A-C.
Other names: c.4983T>G, p.His1661Gln (NM_001407571.1, NM_001407900.1, NM_001407902.1 and 12 more transcripts); c.5262T>G, p.His1754Gln (NM_001407581.1, NM_001407582.1); c.5259T>G, p.His1753Gln (NM_001407583.1, NM_001407585.1, NM_001407587.1 and 1 more transcripts); c.5193T>G, p.His1731Gln (NM_001407610.1, NM_001407611.1, NM_001407612.1 and 17 more transcripts); c.5190T>G, p.His1730Gln (NM_001407629.1, NM_001407630.1, NM_001407631.1 and 14 more transcripts); c.5136T>G, p.His1712Gln (NM_001407649.1); c.5118T>G, p.His1706Gln (NM_001407652.1, NM_001407653.1, NM_001407654.1 and 1 more transcripts); c.5115T>G, p.His1705Gln (NM_001407656.1, NM_001407657.1, NM_001407658.1); and 72 more; short protein forms H1753Q, H1732Q, H1685Q, H628Q, H1578Q, H1603Q, H1605Q, H1621Q.
Identifiers: ClinVar variation 867835 (VCV000867835.3), dbSNP rs1567764670, ClinGen allele CA10591140.